The following is an entry in ClinVar:

NM_152594.3(SPRED1):c.684+3A>C

Gene: SPRED1 (sprouty related EVH1 domain containing 1; plus strand). Cytogenetic location: 15q14.
Variant type: single nucleotide variant.
Coding change: c.684+3A>C on transcript NM_152594.3 (MANE Select); 3 bases into the intron after coding-DNA position 684, A replaced by C.
Molecular consequence: intron variant.
Genome position (GRCh38, 1-based): chr15:38,349,526, A>C. VCF-style: chr15-38349526-A-C. GRCh37 (hg19) VCF-style: chr15-38641727-A-C.
Identifiers: ClinVar variation 3622379 (VCV003622379.2).

ClinVar aggregate classification (germline): Uncertain significance (1 of 4 stars; one submission).

Conditions:
Legius syndrome. Identifiers: Orphanet 137605, MedGen C1969623, MONDO:0012669, OMIM 611431. Disease mechanism: loss of function.

Submission:

Labcorp Genetics (formerly Invitae), Labcorp
Classification: Uncertain significance for Legius syndrome. Last evaluated: 2024-07-08. Review status: criteria provided, single submitter. Criteria: Invitae Variant Classification Sherloc (09022015). Collection method: clinical testing. Allele origin: germline.
Comment: This sequence change falls in intron 6 of the SPRED1 gene. It does not directly change the encoded amino acid sequence of the SPRED1 protein. It affects a nucleotide within the consensus splice site. This variant is not present in population databases (gnomAD no frequency). This variant has not been reported in the literature in individuals affected with SPRED1-related conditions. Variants that disrupt the consensus splice site are a relatively common cause of aberrant splicing (PMID: 17576681, 9536098). Algorithms developed to predict the effect of sequence changes on RNA splicing suggest that this variant is not likely to affect RNA splicing. In summary, the available evidence is currently insufficient to determine the role of this variant in disease. Therefore, it has been classified as a Variant of Uncertain Significance.

Literature cited by the submitters: PubMed 17576681; PubMed 9536098.